The following is an entry in ClinVar:

ClinVar aggregate classification (germline): Likely pathogenic (1 of 4 stars; one submission).

Conditions:
Multiple sulfatase deficiency (MSD). Also called: Mucosulfatidosis; Multiple Sulfatase Deficiency Disease; Sulfatidosis, Juvenile, Austin Type. Identifiers: Orphanet 585, MedGen C0268263, MONDO:0010088, OMIM 272200.

Submission:

Natera, Inc.
Classification: Likely pathogenic for Multiple sulfatase deficiency. Last evaluated: 2025-04-25. Review status: criteria provided, single submitter. Criteria: Natera Variant Classification Schema (03/2026). Collection method: clinical testing. Allele origin: germline.
Comment: The c.1015-2A>C variant in SUMF1 is a canonical splice acceptor site variant predicted to affect pre-mRNA splicing, which may result in an abnormal transcript and altered protein product. This variant is expected to result in nonsense mediated decay, truncation, or a dysfunctional protein product. This variant is rare in the general population with a frequency below the threshold expected for the associated phenotype(s). Given the available evidence, this variant is classified as Likely Pathogenic.

NM_182760.4(SUMF1):c.1015-2A>C

Gene: SUMF1 (sulfatase modifying factor 1; minus strand). Cytogenetic location: 3p26.1.
Variant type: single nucleotide variant.
Coding change: c.1015-2A>C on transcript NM_182760.4 (MANE Select); the canonical splice acceptor site of the intron before coding-DNA position 1015, A replaced by C.
Molecular consequence: splice acceptor variant.
Genome position (GRCh38, 1-based): chr3:4,362,256, T>G on the plus strand (A>C on the coding strand, the complement: SUMF1 is on the minus strand). VCF-style: chr3-4362256-T-G. GRCh37 (hg19) VCF-style: chr3-4403940-T-G.
Other names: c.940-2A>C (NM_001164674.2); c.955-2A>C (NM_001164675.2).
Identifiers: ClinVar variation 4062024 (VCV004062024.2).